The following is an entry in ClinVar:

ClinVar aggregate classification (germline): Uncertain significance (1 of 4 stars; one submission).

Conditions:
Congenital contractural arachnodactyly (CCA). Also called: BEALS SYNDROME; Arthrogryposis, distal, type 9; Beals-Hecht syndrome. Identifiers: Orphanet 115, MedGen C0220668, MONDO:0007363, OMIM 121050.

Submission:

Victorian Clinical Genetics Services, Murdoch Childrens Research Institute
Classification: Uncertain significance for Congenital contractural arachnodactyly. Last evaluated: 2025-02-18. Review status: criteria provided, single submitter. Criteria: ACMG Guidelines, 2015. Collection method: clinical testing. Allele origin: germline.
Comment: This variant is classified as VUS-3A. Evidence in support of pathogenic classification: Variant is absent from gnomAD (v2, v3 and v4); Missense variant predicted to be damaging by in silico tool(s) or highly conserved with a major amino acid change; Additional information: Variant is predicted to result in a missense amino acid change from cysteine to tyrosine; This variant is heterozygous; This gene is associated with autosomal dominant disease. There are also rare reports of a severe form of congenital contractural arachnodactyly due to biallelic variants (PMID: 33571691); This variant has no previous evidence of pathogenicity; No published segregation evidence has been identified for this variant; No published functional evidence has been identified for this variant; No comparable missense variants have previous evidence for pathogenicity; Variant is located in the annotated calcium-binding EGF domain (DECIPHER). - The mechanism of disease for this gene is not clearly established. However, dominant negative is a likely mechanism of disease (PMID: 31316167) and loss of function has recently been suggested as a possible mechanism of disease although additional functional studies are required to confirm this hypothesis (PMID: 20301560). - Variants in this gene are known to have variable expressivity. Intrafamilial and interfamilial variability are well reported for this gene (PMID: 20301560).

Literature cited by the submitters: PubMed 31316167; PubMed 20301560; PubMed 33571691.

NM_001999.4(FBN2):c.1757G>A (p.Cys586Tyr)

Gene: FBN2 (fibrillin 2; minus strand). Cytogenetic location: 5q23.3.
Variant type: single nucleotide variant.
Coding change: c.1757G>A on transcript NM_001999.4 (MANE Select); coding-DNA position 1757, G replaced by A.
Protein change: p.Cys586Tyr; replaces cysteine 586 with tyrosine.
Molecular consequence: missense variant.
Genome position (GRCh38, 1-based): chr5:128,377,844, C>T on the plus strand (G>A on the coding strand, the complement: FBN2 is on the minus strand). VCF-style: chr5-128377844-C-T. GRCh37 (hg19) VCF-style: chr5-127713537-C-T.
Other names: short protein forms C586Y.
Identifiers: ClinVar variation 4531966 (VCV004531966.1).